The following is an entry in ClinVar:

NM_152564.5(VPS13B):c.11715C>A (p.Leu3905=)

Gene: VPS13B (vacuolar protein sorting 13 homolog B; plus strand). Cytogenetic location: 8q22.2.
Variant type: single nucleotide variant.
Coding change: c.11715C>A on transcript NM_152564.5 (MANE Select); coding-DNA position 11715, C replaced by A.
Protein change: p.Leu3905=; no amino-acid change (leucine 3905 retained).
Molecular consequence: synonymous variant.
Genome position (GRCh38, 1-based): chr8:99,871,667, C>A. VCF-style: chr8-99871667-C-A. GRCh37 (hg19) VCF-style: chr8-100883895-C-A.
Other names: c.11790C>A, p.Leu3930= (NM_017890.5); c.11715C>A (NM_152564.4).
Identifiers: ClinVar variation 1128453 (VCV001128453.14), dbSNP rs755448442, ClinGen allele CA4825307.

ClinVar aggregate classification (germline): Likely benign. Review status: criteria provided, multiple submitters, no conflicts (2 of 4 stars). 5 submissions from 5 submitters: Likely benign (2). 3 of the submissions do not count toward it. Last evaluated 2025-11-23.

Conditions:
VPS13B-related disorder. Also called: VPS13B-related condition.
Cohen syndrome (COH1). Also called: PEPPER SYNDROME; Cutis verticis gyrata, retinitis pigmentosa, and sensorineural deafness. Identifiers: Orphanet 193, MedGen C0265223, MONDO:0008999, OMIM 216550.

Allele frequency attached by ClinVar (database versions not stated): gnomAD 0.00002; ExAC 0.00003; TOPMed 0.00003; gnomAD exomes 0.00005 and 0.00006.
gnomAD v4.1: 82 of 1,613,896 alleles (0.0051%); highest among the groups gnomAD compares: Non-Finnish European, 0.0063%; no homozygotes.

Submissions (5):

Labcorp Genetics (formerly Invitae), Labcorp
Classification: Likely benign for Cohen syndrome. Last evaluated: 2025-11-23. Review status: criteria provided, single submitter. Criteria: Invitae Variant Classification Sherloc (09022015). Collection method: clinical testing. Allele origin: germline.

Blueprint Genetics
Classification: Likely benign. Last evaluated: 2024-10-29. Review status: criteria provided, single submitter. Criteria: ACMG Guidelines, 2015. Collection method: clinical testing. Allele origin: germline.

PreventionGenetics, part of Exact Sciences
Classification: Likely benign for VPS13B-related condition. Last evaluated: 2024-06-21. Review status: no assertion criteria provided. Collection method: clinical testing. Allele origin: germline. Not counted in ClinVar's aggregate classification.
Comment: This variant is classified as likely benign based on ACMG/AMP sequence variant interpretation guidelines (Richards et al. 2015 PMID: 25741868, with internal and published modifications).

Clinical Genetics DNA and cytogenetics Diagnostics Lab, Erasmus MC, Erasmus Medical Center
Classification: Likely benign. Review status: no assertion criteria provided. Collection method: clinical testing. Allele origin: germline. Affected: yes. Study: VKGL Data-share Consensus. Not counted in ClinVar's aggregate classification.

Clinical Genetics, Academic Medical Center
Classification: Likely benign. Review status: no assertion criteria provided. Collection method: clinical testing. Allele origin: germline. Affected: yes. Study: VKGL Data-share Consensus. Not counted in ClinVar's aggregate classification.